The following is an entry in ClinVar:

NM_002296.4(LBR):c.1429A>G (p.Ser477Gly)

Gene: LBR (lamin B receptor; minus strand). Cytogenetic location: 1q42.12.
Variant type: single nucleotide variant.
Coding change: c.1429A>G on transcript NM_002296.4 (MANE Select); coding-DNA position 1429, A replaced by G.
Protein change: p.Ser477Gly; replaces serine 477 with glycine.
Molecular consequence: missense variant.
Genome position (GRCh38, 1-based): chr1:225,406,718, T>C on the plus strand (A>G on the coding strand, the complement: LBR is on the minus strand). VCF-style: chr1-225406718-T-C. GRCh37 (hg19) VCF-style: chr1-225594420-T-C.
Other names: c.1429A>G, p.Ser477Gly (NM_194442.3); short protein forms S477G.
Identifiers: ClinVar variation 2899917 (VCV002899917.3), dbSNP rs376070025, ClinGen allele CA1417147.

ClinVar aggregate classification (germline): Uncertain significance (1 of 4 stars; one submission).

Allele frequency attached by ClinVar (database versions not stated): ExAC 0.00001; gnomAD 0.00001; TOPMed 0.00001; gnomAD exomes 0.00002; ESP Exome Variant Server 0.00008.
gnomAD v4.1: 24 of 1,613,726 alleles (0.0015%); highest among the groups gnomAD compares: Non-Finnish European, 0.002%; no homozygotes.

Submission:

Labcorp Genetics (formerly Invitae), Labcorp
Classification: Uncertain significance. Last evaluated: 2023-06-09. Review status: criteria provided, single submitter. Criteria: Invitae Variant Classification Sherloc (09022015). Collection method: clinical testing. Allele origin: germline.
Comment: In summary, the available evidence is currently insufficient to determine the role of this variant in disease. Therefore, it has been classified as a Variant of Uncertain Significance. Advanced modeling of protein sequence and biophysical properties (such as structural, functional, and spatial information, amino acid conservation, physicochemical variation, residue mobility, and thermodynamic stability) performed at Invitae indicates that this missense variant is not expected to disrupt LBR protein function. This variant has not been reported in the literature in individuals affected with LBR-related conditions. This variant is present in population databases (rs376070025, gnomAD 0.002%). This sequence change replaces serine, which is neutral and polar, with glycine, which is neutral and non-polar, at codon 477 of the LBR protein (p.Ser477Gly).